The following is an entry in ClinVar:

NM_024740.2(ALG9):c.1550G>T (p.Arg517Leu)

Gene: ALG9 (ALG9 alpha-1,2-mannosyltransferase; minus strand). Cytogenetic location: 11q23.1.
Variant type: single nucleotide variant.
Coding change: c.1550G>T on transcript NM_024740.2 (MANE Select); coding-DNA position 1550, G replaced by T.
Protein change: p.Arg517Leu; replaces arginine 517 with leucine.
Molecular consequence: missense variant. On other transcripts: non-coding transcript variant (1).
Genome position (GRCh38, 1-based): chr11:111,836,217, C>A on the plus strand (G>T on the coding strand, the complement: ALG9 is on the minus strand). VCF-style: chr11-111836217-C-A. GRCh37 (hg19) VCF-style: chr11-111706940-C-A.
Other names: c.1529G>T, p.Arg510Leu (NM_001077690.1, NM_001352417.1); c.1037G>T, p.Arg346Leu (NM_001077691.2, NM_001352413.1, NM_001352414.2 and 1 more transcripts); c.1016G>T, p.Arg339Leu (NM_001077692.2, NM_001352409.1, NM_001352410.1 and 6 more transcripts); c.1406G>T, p.Arg469Leu (NM_001352418.1); c.941G>T, p.Arg314Leu (NM_001352422.2); c.893G>T, p.Arg298Leu (NM_001352423.2); short protein forms R517L, R339L, R346L, R510L, R298L, R314L, R469L.
Identifiers: ClinVar variation 638634 (VCV000638634.1), dbSNP rs782004306, ClinGen allele CA382591391.

ClinVar aggregate classification (germline): Benign (0 of 4 stars; one submission).

Conditions:
Autosomal dominant polycystic liver disease. Also called: Polycystic liver disease; Congenital cystic disease of liver. Identifiers: Orphanet 2924, MedGen C0158683, MONDO:0000447, HP:0006557.

gnomAD v4.1: 2 of 1,613,922 alleles (0.00012%); highest among the groups gnomAD compares: Non-Finnish European, 0.00017%; no homozygotes.

Submission:

Stefan Somlo Laboratory, Yale School of Medicine
Classification: Benign for Polycystic liver disease. Last evaluated: 2019-05-21. Review status: no assertion criteria provided. Collection method: research. Allele origin: unknown. Affected: yes. Observed: 1 variant allele.
Comment: Variant able to rescue ALG9 knockout effect on Polycystin-1 maturation in vitro

Literature cited by the submitters: PubMed 31395617.